The following is an entry in ClinVar:

NM_006005.3(WFS1):c.2059C>T (p.Gln687Ter)

Gene: WFS1 (wolframin ER transmembrane glycoprotein; plus strand). Cytogenetic location: 4p16.1.
Variant type: single nucleotide variant.
Coding change: c.2059C>T on transcript NM_006005.3 (MANE Select); coding-DNA position 2059, C replaced by T.
Protein change: p.Gln687Ter; replaces glutamine 687 with a stop codon.
Molecular consequence: nonsense.
Genome position (GRCh38, 1-based): chr4:6,301,854, C>T. VCF-style: chr4-6301854-C-T. GRCh37 (hg19) VCF-style: chr4-6303581-C-T.
Other names: c.2059C>T, p.Gln687Ter (NM_001145853.1); short protein forms Q687*.
Identifiers: ClinVar variation 1298956 (VCV001298956.37), dbSNP rs773554624, ClinGen allele CA2839586.

ClinVar aggregate classification (germline): Pathogenic/Likely pathogenic. Review status: criteria provided, multiple submitters, no conflicts (2 of 4 stars). 2 submissions from 2 submitters: Pathogenic (1); Likely pathogenic (1). Last evaluated 2024-04-13.

Allele frequency attached by ClinVar (database versions not stated): TOPMed below 0.00001; ExAC 0.00001; gnomAD exomes 0.00001.

Submissions (2):

Labcorp Genetics (formerly Invitae), Labcorp
Classification: Pathogenic. Last evaluated: 2024-04-13. Review status: criteria provided, single submitter. Criteria: Invitae Variant Classification Sherloc (09022015). Collection method: clinical testing. Allele origin: germline.
Comment: This sequence change creates a premature translational stop signal (p.Gln687*) in the WFS1 gene. While this is not anticipated to result in nonsense mediated decay, it is expected to disrupt the last 204 amino acid(s) of the WFS1 protein. This variant is present in population databases (rs773554624, gnomAD 0.003%). This variant has not been reported in the literature in individuals affected with WFS1-related conditions. ClinVar contains an entry for this variant (Variation ID: 1298956). This variant disrupts a region of the WFS1 protein in which other variant(s) (p.Pro885Leu) have been determined to be pathogenic (PMID: 10521293, 16806192, 28432734). This suggests that this is a clinically significant region of the protein, and that variants that disrupt it are likely to be disease-causing. For these reasons, this variant has been classified as Pathogenic.

CeGaT Center for Human Genetics Tuebingen
Classification: Likely pathogenic. Last evaluated: 2021-08-01. Review status: criteria provided, single submitter. Criteria: CeGaT Center For Human Genetics Tuebingen Variant Classification Criteria Version 2. Collection method: clinical testing. Allele origin: germline. Affected: yes. Observed: 1 variant allele.

Literature cited by the submitters: PubMed 10521293 (cited by Labcorp Genetics (formerly Invitae), Labcorp); PubMed 16806192 (cited by Labcorp Genetics (formerly Invitae), Labcorp); PubMed 28432734 (cited by Labcorp Genetics (formerly Invitae), Labcorp).